The following is an entry in ClinVar:

ClinVar aggregate classification (germline): Uncertain significance (1 of 4 stars; one submission).

Submission:

Labcorp Genetics (formerly Invitae), Labcorp
Classification: Uncertain significance. Last evaluated: 2022-08-28. Review status: criteria provided, single submitter. Criteria: Invitae Variant Classification Sherloc (09022015). Collection method: clinical testing. Allele origin: germline.
Comment: In summary, the available evidence is currently insufficient to determine the role of this variant in disease. Therefore, it has been classified as a Variant of Uncertain Significance. Algorithms developed to predict the effect of missense changes on protein structure and function output the following: SIFT: "Tolerated"; PolyPhen-2: "Benign"; Align-GVGD: "Class C0". The glutamic acid amino acid residue is found in multiple mammalian species, which suggests that this missense change does not adversely affect protein function. This variant has not been reported in the literature in individuals affected with RFWD3-related conditions. This variant is not present in population databases (gnomAD no frequency). This sequence change replaces glutamine, which is neutral and polar, with glutamic acid, which is acidic and polar, at codon 11 of the RFWD3 protein (p.Gln11Glu).

NM_018124.4(RFWD3):c.31C>G (p.Gln11Glu)

Gene: RFWD3 (ring finger and WD repeat domain 3; minus strand). Cytogenetic location: 16q23.1.
Variant type: single nucleotide variant.
Coding change: c.31C>G on transcript NM_018124.4 (MANE Select); coding-DNA position 31, C replaced by G.
Protein change: p.Gln11Glu; replaces glutamine 11 with glutamic acid.
Molecular consequence: missense variant. On other transcripts: 5 prime UTR variant (4), intron variant (1).
Genome position (GRCh38, 1-based): chr16:74,661,419, G>C on the plus strand (C>G on the coding strand, the complement: RFWD3 is on the minus strand). VCF-style: chr16-74661419-G-C. GRCh37 (hg19) VCF-style: chr16-74695317-G-C.
Other names: c.31C>G, p.Gln11Glu (NM_001370534.1, NM_001370535.1, NM_001370536.1); c.-978C>G (NM_001370537.1); c.-601C>G (NM_001370539.1, NM_001370541.1); c.-855C>G (NM_001370542.1); c.-733C>G (NM_001370543.1); c.-317+3205C>G (NM_001370540.1); short protein forms Q11E.
Identifiers: ClinVar variation 2027620 (VCV002027620.4), dbSNP rs1567588693, ClinGen allele CA396764746.